The following is an entry in ClinVar:

NM_001128148.3(TFRC):c.211A>G (p.Ile71Val)

Gene: TFRC (transferrin receptor; minus strand). Cytogenetic location: 3q29.
Variant type: single nucleotide variant.
Coding change: c.211A>G on transcript NM_001128148.3 (MANE Select); coding-DNA position 211, A replaced by G.
Protein change: p.Ile71Val; replaces isoleucine 71 with valine.
Molecular consequence: missense variant. On other transcripts: intron variant (2).
Genome position (GRCh38, 1-based): chr3:196,075,186, T>C on the plus strand (A>G on the coding strand, the complement: TFRC is on the minus strand). VCF-style: chr3-196075186-T-C. GRCh37 (hg19) VCF-style: chr3-195802057-T-C.
Other names: c.-5-1061A>G (NM_001313965.2); c.211A>G, p.Ile71Val (NM_003234.4); c.-413+1878A>G (NM_001313966.2); c.211A>G (NM_003234.2); short protein forms I71V.
Identifiers: ClinVar variation 3022478 (VCV003022478.4), dbSNP rs1006096745, ClinGen allele CA90761899.

ClinVar aggregate classification (germline): Uncertain significance. Review status: criteria provided, multiple submitters, no conflicts (2 of 4 stars). 2 submissions from 2 submitters: Uncertain significance (2). Last evaluated 2025-08-09.

Conditions:
Inborn genetic diseases. Identifiers: MedGen C0950123, MeSH D030342.

Allele frequency attached by ClinVar (database versions not stated): gnomAD exomes below 0.00001; TOPMed below 0.00001; gnomAD 0.00001.
gnomAD v4.1: 6 of 1,613,486 alleles (0.00037%); highest among the groups gnomAD compares: Non-Finnish European, 0.00034%; no homozygotes.

Submissions (2):

Ambry Genetics
Classification: Uncertain significance for Inborn genetic diseases. Last evaluated: 2025-08-09. Review status: criteria provided, single submitter. Criteria: Ambry Variant Classification Scheme 2023. Collection method: clinical testing. Allele origin: germline.

Labcorp Genetics (formerly Invitae), Labcorp
Classification: Uncertain significance. Last evaluated: 2024-07-29. Review status: criteria provided, single submitter. Criteria: Invitae Variant Classification Sherloc (09022015). Collection method: clinical testing. Allele origin: germline.
Comment: This sequence change replaces isoleucine, which is neutral and non-polar, with valine, which is neutral and non-polar, at codon 71 of the TFRC protein (p.Ile71Val). The frequency data for this variant in the population databases is considered unreliable, as metrics indicate poor data quality at this position in the gnomAD database. This variant has not been reported in the literature in individuals affected with TFRC-related conditions. An algorithm developed to predict the effect of missense changes on protein structure and function outputs the following: PolyPhen-2: "Benign". The valine amino acid residue is found in multiple mammalian species, which suggests that this missense change does not adversely affect protein function. In summary, the available evidence is currently insufficient to determine the role of this variant in disease. Therefore, it has been classified as a Variant of Uncertain Significance.